The following is an entry in ClinVar:

NM_000038.6(APC):c.6791G>T (p.Gly2264Val)

Gene: APC (APC regulator of Wnt signaling pathway; plus strand). Cytogenetic location: 5q22.2.
Variant type: single nucleotide variant.
Coding change: c.6791G>T on transcript NM_000038.6 (MANE Select); coding-DNA position 6791, G replaced by T.
Protein change: p.Gly2264Val; replaces glycine 2264 with valine.
Molecular consequence: missense variant. On other transcripts: non-coding transcript variant (2).
Genome position (GRCh38, 1-based): chr5:112,842,385, G>T. VCF-style: chr5-112842385-G-T. GRCh37 (hg19) VCF-style: chr5-112178082-G-T.
Other names: c.6770G>T, p.Gly2257Val (NM_001407451.1); c.6761G>T, p.Gly2254Val (NM_001407452.1); c.6614G>T, p.Gly2205Val (NM_001407453.1, NM_001354901.2); c.6542G>T, p.Gly2181Val (NM_001407454.1, NM_001407455.1, NM_001407456.1 and 1 more transcripts); c.6488G>T, p.Gly2163Val (NM_001407458.1, NM_001407459.1, NM_001354903.2 and 1 more transcripts); c.6791G>T, p.Gly2264Val (NM_001127510.3, NM_001354895.2, NM_001407450.1); c.6737G>T, p.Gly2246Val (NM_001127511.3); c.6845G>T, p.Gly2282Val (NM_001354896.2, NM_001407447.1, NM_001407448.1 and 1 more transcripts); and 11 more; short protein forms G2205V, G2223V, G2236V, G2254V, G1880V, G2181V, G2239V, G2246V.
Identifiers: ClinVar variation 5026076 (VCV005026076.1).

ClinVar aggregate classification (germline): Uncertain significance (1 of 4 stars; one submission).

Conditions:
Hereditary cancer-predisposing syndrome. Also called: Neoplastic Syndromes, Hereditary; Tumor predisposition; Hereditary neoplastic syndrome; Hereditary Cancer Syndrome. Identifiers: Orphanet 140162, MedGen C0027672, MeSH D009386, MONDO:0015356.

Submission:

Ambry Genetics
Classification: Uncertain significance for Hereditary cancer-predisposing syndrome. Last evaluated: 2026-09-04. Review status: criteria provided, single submitter. Criteria: Ambry Variant Classification Scheme 2023. Collection method: clinical testing. Allele origin: germline.
Comment: The p.G2264V variant (also known as c.6791G>T), located in coding exon 15 of the APC gene, results from a G to T substitution at nucleotide position 6791. The glycine at codon 2264 is replaced by valine, an amino acid with dissimilar properties. This amino acid position is conserved. In addition, in silico predictors for this gene do not accurately predict pathogenicity. Based on the available evidence, the clinical significance of this variant remains unclear.